The following is an entry in ClinVar:

ClinVar aggregate classification (germline): Benign/Likely benign. Review status: criteria provided, multiple submitters, no conflicts (2 of 4 stars). 8 submissions from 8 submitters: Benign (4); Likely benign (4). Last evaluated 2026-01-26.

Conditions:
Hereditary pancreatitis (PCTT). Also called: PRSS1-Related Hereditary Pancreatitis; Hereditary chronic pancreatitis. Identifiers: Orphanet 676, MedGen C0238339, MONDO:0008185, OMIM 167800.

Allele frequency attached by ClinVar (database versions not stated): gnomAD 0.00131 and 0.00206; ESP Exome Variant Server 0.00169; gnomAD exomes 0.00259 and 0.00356; ExAC 0.00373; 1000 Genomes Project 30x 0.00390; 1000 Genomes Project 0.00419.

Submissions (8):

Labcorp Genetics (formerly Invitae), Labcorp
Classification: Benign for Hereditary pancreatitis. Last evaluated: 2026-01-26. Review status: criteria provided, single submitter. Criteria: Invitae Variant Classification Sherloc (09022015). Collection method: clinical testing. Allele origin: germline.

ARUP Laboratories, Molecular Genetics and Genomics, ARUP Laboratories
Classification: Benign for Hereditary pancreatitis. Last evaluated: 2025-07-31. Review status: criteria provided, single submitter. Criteria: ARUP Molecular Germline Variant Investigation Process 2024. Collection method: clinical testing. Allele origin: germline.

Blueprint Genetics
Classification: Likely benign. Last evaluated: 2024-11-23. Review status: criteria provided, single submitter. Criteria: ACMG Guidelines, 2015. Collection method: clinical testing. Allele origin: germline.

KCCC/NGS Laboratory, Kuwait Cancer Control Center
Classification: Benign for Hereditary pancreatitis. Last evaluated: 2023-07-07. Review status: criteria provided, single submitter. Criteria: ACMG Guidelines, 2015. Collection method: clinical testing. Allele origin: germline. Affected: yes.

GeneDx
Classification: Likely benign. Last evaluated: 2020-08-04. Review status: criteria provided, single submitter. Criteria: GeneDx Variant Classification Process June 2021. Collection method: clinical testing. Allele origin: germline. Affected: yes.
Comment: This variant is associated with the following publications: (PMID: 27264265, 24458023, 30134826, 28502372)

Ambry Genetics
Classification: Likely benign for Hereditary pancreatitis. Last evaluated: 2015-09-14. Review status: criteria provided, single submitter. Criteria: Ambry Variant Classification Scheme 2023. Collection method: clinical testing. Allele origin: germline.

Breakthrough Genomics
Classification: Likely benign. Review status: criteria provided, single submitter. Criteria: ACMG Guidelines, 2015. Collection method: not provided. Allele origin: germline. Inheritance: Autosomal dominant inheritance. Affected: yes.

PreventionGenetics, part of Exact Sciences
Classification: Benign. Review status: criteria provided, single submitter. Criteria: ACMG Guidelines, 2015. Collection method: clinical testing. Allele origin: germline.

NM_002769.5(PRSS1):c.592-11C>T

Genes: PRSS1 (serine protease 1; plus strand), TRB (T cell receptor beta locus; plus strand). Cytogenetic location: 7q34.
Variant type: single nucleotide variant.
Coding change: c.592-11C>T on transcript NM_002769.5 (MANE Select); 11 bases into the intron before coding-DNA position 592, C replaced by T.
Molecular consequence: intron variant.
Genome position (GRCh38, 1-based): chr7:142,752,857, C>T. VCF-style: chr7-142752857-C-T. GRCh37 (hg19) VCF-style: chr7-142460708-C-T.
Identifiers: ClinVar variation 258800 (VCV000258800.27), dbSNP rs183791770, ClinGen allele CA4530111.